The following is an entry in ClinVar:

NM_004998.4(MYO1E):c.976C>T (p.Arg326Trp)

Gene: MYO1E (myosin IE; minus strand). Cytogenetic location: 15q22.2.
Variant type: single nucleotide variant.
Coding change: c.976C>T on transcript NM_004998.4 (MANE Select); coding-DNA position 976, C replaced by T.
Protein change: p.Arg326Trp; replaces arginine 326 with tryptophan.
Molecular consequence: missense variant.
Genome position (GRCh38, 1-based): chr15:59,218,022, G>A on the plus strand (C>T on the coding strand, the complement: MYO1E is on the minus strand). VCF-style: chr15-59218022-G-A. GRCh37 (hg19) VCF-style: chr15-59510221-G-A.
Other names: short protein forms R326W.
Identifiers: ClinVar variation 3042804 (VCV003042804.5), dbSNP rs150397493, ClinGen allele CA7590113.

ClinVar aggregate classification (germline): Conflicting classifications of pathogenicity. Review status: criteria provided, conflicting classifications (1 of 4 stars). 4 submissions from 4 submitters: Uncertain significance (2); Likely benign (1). 1 of the submissions does not count toward it. Last evaluated 2025-02-16.

Conditions:
Focal segmental glomerulosclerosis 6 (FSGS6). Identifiers: Orphanet 656, MedGen C3279905, MONDO:0013589, OMIM 614131.
MYO1E-related disorder. Also called: MYO1E-related condition.

Allele frequency attached by ClinVar (database versions not stated): TOPMed 0.00029; 1000 Genomes Project 30x 0.00031; ESP Exome Variant Server 0.00031; ExAC 0.00033; 1000 Genomes Project 0.00040; gnomAD 0.00040; gnomAD exomes 0.00061.
gnomAD v4.1: 932 of 1,614,170 alleles (0.058%); highest among the groups gnomAD compares: Middle Eastern, 0.15%; 2 homozygotes.

Submissions (4):

Laboratory of Genetics, Children's Clinical University Hospital Latvia
Classification: Likely benign. Last evaluated: 2025-02-16. Review status: criteria provided, single submitter. Criteria: ACMG Guidelines, 2015. Collection method: clinical testing. Allele origin: germline. Affected: yes.

Genomic Medicine Center of Excellence, King Faisal Specialist Hospital and Research Centre
Classification: Uncertain significance for Focal segmental glomerulosclerosis 6. Last evaluated: 2024-03-29. Review status: criteria provided, single submitter. Criteria: ACMG Guidelines, 2015. Collection method: clinical testing. Allele origin: germline.

Fulgent Genetics
Classification: Uncertain significance for Focal segmental glomerulosclerosis 6. Last evaluated: 2024-03-27. Review status: criteria provided, single submitter. Criteria: ACMG Guidelines, 2015. Collection method: clinical testing. Allele origin: germline.

PreventionGenetics, part of Exact Sciences
Classification: Uncertain significance for MYO1E-related condition. Last evaluated: 2024-02-16. Review status: no assertion criteria provided. Collection method: clinical testing. Allele origin: germline. Not counted in ClinVar's aggregate classification.
Comment: The MYO1E c.976C>T variant is predicted to result in the amino acid substitution p.Arg326Trp. To our knowledge, this variant has not been reported in the literature. This variant is reported in 0.11% of alleles in individuals of South Asian descent in gnomAD. Although we suspect that this variant may be benign, at this time, the clinical significance of this variant is uncertain due to the absence of conclusive functional and genetic evidence.